The following is an entry in ClinVar:

NM_001267550.2(TTN):c.105257T>A (p.Met35086Lys)

Genes: TTN (titin; minus strand), TTN-AS1 (TTN antisense RNA 1; plus strand). Cytogenetic location: 2q31.2.
Variant type: single nucleotide variant.
Coding change: c.105257T>A on transcript NM_001267550.2 (MANE Select); coding-DNA position 105257, T replaced by A.
Protein change: p.Met35086Lys; replaces methionine 35086 with lysine.
Molecular consequence: missense variant.
Genome position (GRCh38, 1-based): chr2:178,531,358, A>T on the plus strand (T>A on the coding strand, the complement: TTN is on the minus strand). VCF-style: chr2-178531358-A-T. GRCh37 (hg19) VCF-style: chr2-179396085-A-T.
Other names: c.100334T>A, p.Met33445Lys (NM_001256850.1); c.78062T>A, p.Met26021Lys (NM_003319.4); c.97553T>A, p.Met32518Lys (NM_133378.4); c.78437T>A, p.Met26146Lys (NM_133432.3); c.78638T>A, p.Met26213Lys (NM_133437.4); c.105257T>A (NM_001267550.1); short protein forms M35086K, M32518K, M26021K, M26213K, M26146K, M33445K.
Identifiers: ClinVar variation 332688 (VCV000332688.6), dbSNP rs886055221, ClinGen allele CA10613005.

ClinVar aggregate classification (germline): Uncertain significance. Review status: criteria provided, multiple submitters, no conflicts (2 of 4 stars). 6 submissions from 2 submitters: Uncertain significance (6). Last evaluated 2024-08-26.

Conditions:
Dilated cardiomyopathy 1G (CMD1G). Identifiers: Orphanet 154, MedGen C1858763, MONDO:0011400, OMIM 604145.
Myopathy, myofibrillar, 9, with early respiratory failure (MFM9). Also called: Myopathy, distal, with early respiratory failure, autosomal dominant; Hereditary myopathy with early respiratory failure; EDSTROM MYOPATHY; MYOPATHY, PROXIMAL, WITH EARLY RESPIRATORY MUSCLE INVOLVEMENT. Identifiers: Orphanet 178464, Orphanet 34521, MedGen C1863599, MONDO:0011362, OMIM 603689.
Early-onset myopathy with fatal cardiomyopathy (CMYO5). Also called: CONGENITAL MYOPATHY 5 WITH CARDIOMYOPATHY; Salih Myopathy. Identifiers: Orphanet 289377, MedGen C2673677, MONDO:0012714, OMIM 611705. Disease mechanism: loss of function.
Autosomal recessive limb-girdle muscular dystrophy type 2J (LGMDR10). Also called: MUSCULAR DYSTROPHY, LIMB-GIRDLE, AUTOSOMAL RECESSIVE 10; Limb-girdle muscular dystrophy, type 2J. Identifiers: Orphanet 140922, MedGen C1837342, MONDO:0012127, OMIM 608807.
Tibial muscular dystrophy (TMD). Also called: Udd Distal Myopathy – Tibial Muscular Dystrophy; UDD MYOPATHY; Tibial muscular dystrophy, tardive. Identifiers: Orphanet 609, MedGen C1838244, MONDO:0010870, OMIM 600334.

Submissions (6):

GeneDx
Classification: Uncertain significance. Last evaluated: 2024-08-26. Review status: criteria provided, single submitter. Criteria: GeneDx Variant Classification Process June 2021. Collection method: clinical testing. Allele origin: germline. Affected: yes.
Comment: Not observed at significant frequency in large population cohorts (gnomAD); Missense variant in a gene in which most reported pathogenic variants are truncating/loss of function; Has not been previously published as pathogenic or benign to our knowledge

Illumina Laboratory Services, Illumina
Classification: Uncertain significance for Autosomal recessive limb-girdle muscular dystrophy type 2J. Last evaluated: 2018-01-13. Review status: criteria provided, single submitter. Criteria: ICSL Variant Classification Criteria 13 December 2019. Collection method: clinical testing. Allele origin: germline.

Illumina Laboratory Services, Illumina
Classification: Uncertain significance for Early-onset myopathy with fatal cardiomyopathy. Last evaluated: 2018-01-13. Review status: criteria provided, single submitter. Criteria: ICSL Variant Classification Criteria 13 December 2019. Collection method: clinical testing. Allele origin: germline.

Illumina Laboratory Services, Illumina
Classification: Uncertain significance for Dilated cardiomyopathy 1G. Last evaluated: 2018-01-13. Review status: criteria provided, single submitter. Criteria: ICSL Variant Classification Criteria 13 December 2019. Collection method: clinical testing. Allele origin: germline.

Illumina Laboratory Services, Illumina
Classification: Uncertain significance for Tibial muscular dystrophy. Last evaluated: 2018-01-13. Review status: criteria provided, single submitter. Criteria: ICSL Variant Classification Criteria 13 December 2019. Collection method: clinical testing. Allele origin: germline.

Illumina Laboratory Services, Illumina
Classification: Uncertain significance for Myopathy, myofibrillar, 9, with early respiratory failure. Last evaluated: 2018-01-13. Review status: criteria provided, single submitter. Criteria: ICSL Variant Classification Criteria 13 December 2019. Collection method: clinical testing. Allele origin: germline.